The following is an entry in ClinVar:

NM_001394372.1(BICRA):c.337A>G (p.Ile113Val)

Gene: BICRA (BRD4 interacting chromatin remodeling complex associated protein; plus strand). Cytogenetic location: 19q13.33.
Variant type: single nucleotide variant.
Coding change: c.337A>G on transcript NM_001394372.1 (MANE Select); coding-DNA position 337, A replaced by G.
Protein change: p.Ile113Val; replaces isoleucine 113 with valine.
Molecular consequence: missense variant.
Genome position (GRCh38, 1-based): chr19:47,679,507, A>G. VCF-style: chr19-47679507-A-G. GRCh37 (hg19) VCF-style: chr19-48182764-A-G.
Other names: c.337A>G, p.Ile113Val (NM_015711.3); short protein forms I113V.
Identifiers: ClinVar variation 2579920 (VCV002579920.1), dbSNP rs2514107813, ClinGen allele CA406608742.
Genomic context (GRCh38, chr19:47,679,507, plus strand): 5'-GGCAGTGGGGGCGCTGACCAGCCCTGTGACATCCTCCAGCAGAGCCTCCAAGAGGCCAAC[A>G]TCACGGAGCAGACGCTGGAGGCCGAGGCTGAGCTGGACCTGGGTCCCTTCCAGCTGCCCA-3'
Protein context (NP_001381301.1, residues 103-123): ILQQSLQEAN[Ile113Val]TEQTLEAEAE

ClinVar aggregate classification (germline): Uncertain significance (1 of 4 stars; one submission).

Submission:

GeneDx
Classification: Uncertain significance. Last evaluated: 2023-03-16. Review status: criteria provided, single submitter. Criteria: GeneDx Variant Classification Process June 2021. Collection method: clinical testing. Allele origin: germline. Affected: yes.
Comment: Not observed at significant frequency in large population cohorts (gnomAD); In silico analysis supports that this missense variant does not alter protein structure/function; Has not been previously published as pathogenic or benign to our knowledge